The following is an entry in ClinVar:

ClinVar aggregate classification (germline): Uncertain significance (1 of 4 stars; one submission).

Submission:

Women's Health and Genetics/Laboratory Corporation of America, LabCorp
Classification: Uncertain significance. Last evaluated: 2026-03-23. Review status: criteria provided, single submitter. Criteria: LabCorp Variant Classification Summary - May 2015. Collection method: clinical testing. Allele origin: germline.
Comment: Variant summary: B3GALT6 c.557_559delTCT (p.Phe186del) results in an in-frame deletion that is predicted to remove one amino acid from the encoded protein. The variant was absent in 60930 control chromosomes (gnomAD). The available data on variant occurrences in the general population are insufficient to allow any conclusion about variant significance. To our knowledge, no occurrence of c.557_559delTCT in individuals affected with B3GALT6-related conditions and no experimental evidence demonstrating its impact on protein function have been reported. No submitters have cited clinical-significance assessments for this variant to ClinVar. Based on the evidence outlined above, the variant was classified as uncertain significance.

NM_080605.4(B3GALT6):c.554TCT[1] (p.Phe186del)

Gene: B3GALT6 (beta-1,3-galactosyltransferase 6; plus strand). Cytogenetic location: 1p36.33.
Variant type: Microsatellite.
Coding change: c.554TCT[1] on transcript NM_080605.4 (MANE Select); one copy of the 3-base unit TCT starting at c.554; the reference has two copies in a row; one copy, 3 bases deleted.
Protein change: p.Phe186del; deletes phenylalanine 186.
Genome position (GRCh38, 1-based): chr1:1,232,835-1,232,837, TCT deleted; deleting any 3 consecutive bases within chr1:1,232,830-1,232,837 gives the same sequence; the position shown is the placement nearest the transcript's 3' end. VCF-style (leftmost placement, unchanged base first): chr1-1232829-GCTT-G. GRCh37 (hg19) VCF-style: chr1-1168209-GCTT-G.
Other names: c.557_559delTCT (NM_080605.4); short protein forms F186del.
Identifiers: ClinVar variation 4847048 (VCV004847048.1).